The following is an entry in ClinVar:

ClinVar aggregate classification (germline): Uncertain significance (1 of 4 stars; one submission).

gnomAD v4.1: 1 of 1,613,266 alleles (0.000062%); highest among the groups gnomAD compares: African/African-American, 0.0013%; no homozygotes.

Submission:

GeneDx
Classification: Uncertain significance. Last evaluated: 2023-05-23. Review status: criteria provided, single submitter. Criteria: GeneDx Variant Classification Process June 2021. Collection method: clinical testing. Allele origin: germline. Affected: yes.
Comment: Not observed at significant frequency in large population cohorts (gnomAD); In silico analysis supports that this missense variant has a deleterious effect on protein structure/function; Has not been previously published as pathogenic or benign to our knowledge

NM_006412.4(AGPAT2):c.563C>A (p.Ala188Asp)

Gene: AGPAT2 (1-acylglycerol-3-phosphate O-acyltransferase 2; minus strand). Cytogenetic location: 9q34.3.
Variant type: single nucleotide variant.
Coding change: c.563C>A on transcript NM_006412.4 (MANE Select); coding-DNA position 563, C replaced by A.
Protein change: p.Ala188Asp; replaces alanine 188 with aspartic acid.
Molecular consequence: missense variant. On other transcripts: intron variant (1).
Genome position (GRCh38, 1-based): chr9:136,676,610, G>T on the plus strand (C>A on the coding strand, the complement: AGPAT2 is on the minus strand). VCF-style: chr9-136676610-G-T. GRCh37 (hg19) VCF-style: chr9-139571062-G-T.
Other names: c.492+351C>A (NM_001012727.2); short protein forms A188D.
Identifiers: ClinVar variation 2504299 (VCV002504299.1), dbSNP rs917659244, ClinGen allele CA201629300.